The following is an entry in ClinVar:

NC_000009.11:g.(?_108358859)_(108368857_?)dup

Gene: FKTN (fukutin; plus strand). Cytogenetic location: 9q31.2.
Variant type: Duplication.
Identifiers: ClinVar variation 3245103 (VCV003245103.1).

ClinVar aggregate classification (germline): Likely pathogenic (1 of 4 stars; one submission).

Conditions:
Walker-Warburg congenital muscular dystrophy. Also called: Muscular dystrophy-dystroglycanopathy, type A; Walker-Warburg syndrome. Identifiers: Orphanet 899, MedGen C0265221, MONDO:0000171.

Submission:

Labcorp Genetics (formerly Invitae), Labcorp
Classification: Likely pathogenic for Walker-Warburg congenital muscular dystrophy. Last evaluated: 2023-05-09. Review status: criteria provided, single submitter. Criteria: Invitae Variant Classification Sherloc (09022015). Collection method: clinical testing. Allele origin: unknown.
Comment: In summary, the currently available evidence indicates that the variant is pathogenic, but additional data are needed to prove that conclusively. Therefore, this variant has been classified as Likely Pathogenic. This variant has not been reported in the literature in individuals affected with FKTN-related conditions. This variant results in a copy number gain of the genomic region encompassing exon(s) 4-6 of the FKTN gene. While the exact position of this variant cannot be determined from the data, sub-genic copy number gains are generally in tandem (PMID: 25640679). This variant is predicted to be out-of-frame, and may result in an absent or disrupted protein product. Loss-of-function variants in FKTN are known to be pathogenic (PMID: 17044012, 17878207, 18752264).

Literature cited by the submitters: PubMed 25640679; PubMed 17044012; PubMed 17878207; PubMed 18752264.